The following is an entry in ClinVar:

NM_018671.5(UNC45A):c.2104G>T (p.Asp702Tyr)

Gene: UNC45A (unc-45 myosin chaperone A; plus strand). Cytogenetic location: 15q26.1.
Variant type: single nucleotide variant.
Coding change: c.2104G>T on transcript NM_018671.5 (MANE Select); coding-DNA position 2104, G replaced by T.
Protein change: p.Asp702Tyr; replaces aspartic acid 702 with tyrosine.
Molecular consequence: missense variant.
Genome position (GRCh38, 1-based): chr15:90,950,184, G>T. VCF-style: chr15-90950184-G-T. GRCh37 (hg19) VCF-style: chr15-91493414-G-T.
Other names: c.2059G>T, p.Asp687Tyr (NM_001039675.2, NM_001323621.2); c.2104G>T, p.Asp702Tyr (NM_001323619.1); c.1669G>T, p.Asp557Tyr (NM_001323620.2); short protein forms D557Y, D702Y, D687Y.
Identifiers: ClinVar variation 1435204 (VCV001435204.6), dbSNP rs577403259, ClinGen allele CA7743189.

ClinVar aggregate classification (germline): Uncertain significance (1 of 4 stars; one submission).

Allele frequency attached by ClinVar (database versions not stated): TOPMed below 0.00001; gnomAD 0.00007; gnomAD exomes 0.00008 and 0.00023; ExAC 0.00061; 1000 Genomes Project 30x 0.00078; 1000 Genomes Project 0.00080.
gnomAD v4.1: 121 of 1,551,674 alleles (0.0078%); highest among the groups gnomAD compares: South Asian, 0.14%; 1 homozygote.

Submission:

Labcorp Genetics (formerly Invitae), Labcorp
Classification: Uncertain significance. Last evaluated: 2022-06-08. Review status: criteria provided, single submitter. Criteria: Invitae Variant Classification Sherloc (09022015). Collection method: clinical testing. Allele origin: germline.
Comment: Algorithms developed to predict the effect of missense changes on protein structure and function are either unavailable or do not agree on the potential impact of this missense change (SIFT: "Not Available"; PolyPhen-2: "Benign"; Align-GVGD: "Not Available"). This variant has not been reported in the literature in individuals affected with UNC45A-related conditions. This variant is present in population databases (rs577403259, gnomAD 0.2%). This sequence change replaces aspartic acid, which is acidic and polar, with tyrosine, which is neutral and polar, at codon 702 of the UNC45A protein (p.Asp702Tyr). In summary, the available evidence is currently insufficient to determine the role of this variant in disease. Therefore, it has been classified as a Variant of Uncertain Significance.